The following is an entry in ClinVar:

ClinVar aggregate classification (germline): Conflicting classifications of pathogenicity. Review status: criteria provided, conflicting classifications (1 of 4 stars). 3 submissions from 3 submitters: Likely pathogenic (1); Uncertain significance (2). Last evaluated 2020-10-07.

Conditions:
Left ventricular noncompaction cardiomyopathy. Also called: left ventricular non-compaction cardiomyopathy. Identifiers: MedGen C4021133, HP:0011664.
Left ventricular hypertrophy. Identifiers: MedGen C0149721, HP:0001712.
Hypertrophic cardiomyopathy. Also called: HYPERTROPHIC MYOCARDIOPATHY. Identifiers: Orphanet 217569, MedGen C0007194, MeSH D002312, MONDO:0005045, HP:0001639.

Submissions (3):

Blueprint Genetics
Classification: Uncertain significance. Last evaluated: 2020-10-07. Review status: criteria provided, single submitter. Criteria: ACMG Guidelines, 2015. Collection method: clinical testing. Allele origin: germline.

Petrovsky National Research Centre of Surgery, The Federal Agency for Scientific Organizations
Classification: Likely pathogenic for Left ventricular noncompaction cardiomyopathy; Left ventricular hypertrophy. Last evaluated: 2018-12-05. Review status: criteria provided, single submitter. Criteria: ACMG Guidelines, 2015. Collection method: research. Allele origin: unknown. Inheritance: Autosomal dominant inheritance. Affected: yes. Observed: 1 heterozygote.
Comment: To our knowledge, p.K837M variant is absent from large population studies; it is present in dbSNP and classified to be of uncertain clinical significance. Online prediction tools (PolyPhen2, SIFT, MutationTaster) all classify the p.K837M variant as a probably pathogenic disease-causing variant. No DNA samples of family members of our patient were available for familial screening. However, p.K837M variant is located within a mutation HCM cluster, described by Walsh (2017). According to Walsh 2017, variants detected in patients with HCM and located within the cluster are highly likely to be pathogenic. Thus, we consider the p.K837M variant to be likely pathogenic.

Labcorp Genetics (formerly Invitae), Labcorp
Classification: Uncertain significance for Hypertrophic cardiomyopathy. Last evaluated: 2016-10-21. Review status: criteria provided, single submitter. Criteria: Invitae Variant Classification Sherloc (09022015). Collection method: clinical testing. Allele origin: germline.
Comment: This sequence change replaces lysine with methionine at codon 837 of the MYH7 protein (p.Lys837Met). The lysine residue is highly conserved and there is a moderate physicochemical difference between lysine and methionine. This variant is not present in population databases (ExAC no frequency) and has not been reported in the literature in individuals with a MYH7-related disease. Algorithms developed to predict the effect of missense changes on protein structure and function (SIFT, PolyPhen-2, Align-GVGD) all suggest that this variant is likely to be disruptive, but these predictions have not been confirmed by published functional studies. In summary, this variant is a novel missense change with uncertain impact on protein function. It has been classified as a Variant of Uncertain Significance.

NM_000257.4(MYH7):c.2510A>T (p.Lys837Met)

Genes: MYH7 (myosin heavy chain 7; minus strand), LOC126861898 (BRD4-independent group 4 enhancer GRCh37_chr14:23893609-23894808; plus strand). Cytogenetic location: 14q11.2.
Variant type: single nucleotide variant.
Coding change: c.2510A>T on transcript NM_000257.4 (MANE Select); coding-DNA position 2510, A replaced by T.
Protein change: p.Lys837Met; replaces lysine 837 with methionine.
Molecular consequence: missense variant.
Genome position (GRCh38, 1-based): chr14:23,424,938, T>A on the plus strand (A>T on the coding strand, the complement: MYH7 is on the minus strand). VCF-style: chr14-23424938-T-A. GRCh37 (hg19) VCF-style: chr14-23894147-T-A.
Other names: short protein forms K837M.
Identifiers: ClinVar variation 407176 (VCV000407176.11), dbSNP rs1060501439, ClinGen allele CA16614488.